The following is an entry in ClinVar:

ClinVar aggregate classification (germline): Uncertain significance (1 of 4 stars; one submission).

Allele frequency attached by ClinVar (database versions not stated): ExAC 0.00001.
gnomAD v4.1: 5 of 1,607,402 alleles (0.00031%); highest among the groups gnomAD compares: East Asian, 0.0022%; no homozygotes.

Submission:

Labcorp Genetics (formerly Invitae), Labcorp
Classification: Uncertain significance. Last evaluated: 2022-06-19. Review status: criteria provided, single submitter. Criteria: Invitae Variant Classification Sherloc (09022015). Collection method: clinical testing. Allele origin: germline.
Comment: This variant has not been reported in the literature in individuals affected with MAST1-related conditions. Algorithms developed to predict the effect of missense changes on protein structure and function are either unavailable or do not agree on the potential impact of this missense change (SIFT: "Tolerated"; PolyPhen-2: "Probably Damaging"; Align-GVGD: "Class C0"). In summary, the available evidence is currently insufficient to determine the role of this variant in disease. Therefore, it has been classified as a Variant of Uncertain Significance. This sequence change replaces arginine, which is basic and polar, with serine, which is neutral and polar, at codon 1142 of the MAST1 protein (p.Arg1142Ser). The frequency data for this variant in the population databases is considered unreliable, as metrics indicate poor data quality at this position in the gnomAD database.

NM_014975.3(MAST1):c.3424C>A (p.Arg1142Ser)

Gene: MAST1 (microtubule associated serine/threonine kinase 1; plus strand). Cytogenetic location: 19p13.13.
Variant type: single nucleotide variant.
Coding change: c.3424C>A on transcript NM_014975.3 (MANE Select); coding-DNA position 3424, C replaced by A.
Protein change: p.Arg1142Ser; replaces arginine 1142 with serine.
Molecular consequence: missense variant.
Genome position (GRCh38, 1-based): chr19:12,873,484, C>A. VCF-style: chr19-12873484-C-A. GRCh37 (hg19) VCF-style: chr19-12984298-C-A.
Other names: short protein forms R1142S.
Identifiers: ClinVar variation 2105381 (VCV002105381.4), dbSNP rs765888278, ClinGen allele CA9233412.